The following is an entry in ClinVar:

ClinVar aggregate classification (germline): Likely benign (1 of 4 stars; one submission).

Submission:

CeGaT Center for Human Genetics Tuebingen
Classification: Likely benign. Last evaluated: 2023-03-01. Review status: criteria provided, single submitter. Criteria: CeGaT Center For Human Genetics Tuebingen Variant Classification Criteria Version 2. Collection method: clinical testing. Allele origin: germline. Affected: yes. Observed: 1 variant allele.
Comment: EGFR: PM2:Supporting, BP4, BP7

NM_005228.5(EGFR):c.1881-670T>G

Gene: EGFR (epidermal growth factor receptor; plus strand). Cytogenetic location: 7p11.2.
Variant type: single nucleotide variant.
Coding change: c.1881-670T>G on transcript NM_005228.5 (MANE Select); 670 bases into the intron before coding-DNA position 1881, T replaced by G.
Molecular consequence: intron variant. On other transcripts: synonymous variant (1).
Genome position (GRCh38, 1-based): chr7:55,170,505, T>G. VCF-style: chr7-55170505-T-G. GRCh37 (hg19) VCF-style: chr7-55238198-T-G.
Other names: c.2079T>G, p.Pro693= (NM_201284.2); c.1746-670T>G (NM_001346899.2, NM_001346897.2); c.1080-670T>G (NM_001346941.2); c.1881-670T>G (NM_001346898.2); c.1722-670T>G (NM_001346900.2).
Identifiers: ClinVar variation 2657507 (VCV002657507.24), dbSNP rs2535614078, ClinGen allele CA2695198485.